The following is an entry in ClinVar:

ClinVar aggregate classification (germline): Uncertain significance. Review status: criteria provided, multiple submitters, no conflicts (2 of 4 stars). 2 submissions from 2 submitters: Uncertain significance (2). Last evaluated 2025-08-12.

Conditions:
Inborn genetic diseases. Identifiers: MedGen C0950123, MeSH D030342.
Pyridoxine-dependent epilepsy (EPEO4). Also called: PYRIDOXINE DEPENDENCY WITH SEIZURES; Pyridoxine-Dependent Seizures; Pyridoxine-Dependent Epilepsy - ALDH7A1; EPILEPSY, EARLY-ONSET, 4, VITAMIN B6-DEPENDENT. Identifiers: Orphanet 3006, MedGen C1849508, MONDO:0009945, OMIM 266100. Disease mechanism: loss of function.

Allele frequency attached by ClinVar (database versions not stated): gnomAD exomes below 0.00001.

Submissions (2):

Ambry Genetics
Classification: Uncertain significance for Inborn genetic diseases. Last evaluated: 2025-08-12. Review status: criteria provided, single submitter. Criteria: Ambry Variant Classification Scheme 2023. Collection method: clinical testing. Allele origin: germline.

Labcorp Genetics (formerly Invitae), Labcorp
Classification: Uncertain significance for Pyridoxine-dependent epilepsy. Last evaluated: 2021-12-29. Review status: criteria provided, single submitter. Criteria: Invitae Variant Classification Sherloc (09022015). Collection method: clinical testing. Allele origin: germline.
Comment: This sequence change replaces serine, which is neutral and polar, with glycine, which is neutral and non-polar, at codon 379 of the ALDH7A1 protein (p.Ser379Gly). This variant is not present in population databases (gnomAD no frequency). This variant has not been reported in the literature in individuals affected with ALDH7A1-related conditions. Advanced modeling of protein sequence and biophysical properties (such as structural, functional, and spatial information, amino acid conservation, physicochemical variation, residue mobility, and thermodynamic stability) performed at Invitae indicates that this missense variant is not expected to disrupt ALDH7A1 protein function. In summary, the available evidence is currently insufficient to determine the role of this variant in disease. Therefore, it has been classified as a Variant of Uncertain Significance.

NM_001182.5(ALDH7A1):c.1135A>G (p.Ser379Gly)

Gene: ALDH7A1 (aldehyde dehydrogenase 7 family member A1; minus strand). Cytogenetic location: 5q23.2.
Variant type: single nucleotide variant.
Coding change: c.1135A>G on transcript NM_001182.5 (MANE Select); coding-DNA position 1135, A replaced by G.
Protein change: p.Ser379Gly; replaces serine 379 with glycine.
Molecular consequence: missense variant. On other transcripts: intron variant (1).
Genome position (GRCh38, 1-based): chr5:126,554,352, T>C on the plus strand (A>G on the coding strand, the complement: ALDH7A1 is on the minus strand). VCF-style: chr5-126554352-T-C. GRCh37 (hg19) VCF-style: chr5-125890044-T-C.
Other names: c.1135A>G (NM_001182.4); c.1051A>G, p.Ser351Gly (NM_001201377.2); c.1009-2215A>G (NM_001202404.2); short protein forms S379G, S351G.
Identifiers: ClinVar variation 1982613 (VCV001982613.2), dbSNP rs2480263198, ClinGen allele CA360723876.